The following is an entry in ClinVar:

ClinVar aggregate classification (germline): Uncertain significance (1 of 4 stars; one submission).

Allele frequency attached by ClinVar (database versions not stated): gnomAD 0.00001; TOPMed 0.00002; gnomAD exomes 0.00003; ExAC 0.00006.
gnomAD v4.1: 20 of 1,614,026 alleles (0.0012%); highest among the groups gnomAD compares: East Asian, 0.0045%; no homozygotes.

Submission:

Labcorp Genetics (formerly Invitae), Labcorp
Classification: Uncertain significance. Last evaluated: 2025-11-25. Review status: criteria provided, single submitter. Criteria: Invitae Variant Classification Sherloc (09022015). Collection method: clinical testing. Allele origin: germline.
Comment: This sequence change replaces arginine, which is basic and polar, with histidine, which is basic and polar, at codon 1294 of the NPAT protein (p.Arg1294His). This variant is present in population databases (rs113752046, gnomAD 0.006%). This variant has not been reported in the literature in individuals affected with NPAT-related conditions. ClinVar contains an entry for this variant (Variation ID: 2076939). An algorithm developed to predict the effect of missense changes on protein structure and function (PolyPhen-2) suggests that this variant is likely to be disruptive. In summary, the available evidence is currently insufficient to determine the role of this variant in disease. Therefore, it has been classified as a Variant of Uncertain Significance.

NM_002519.3(NPAT):c.3881G>A (p.Arg1294His)

Gene: NPAT (nuclear protein, coactivator of histone transcription; minus strand). Cytogenetic location: 11q22.3.
Variant type: single nucleotide variant.
Coding change: c.3881G>A on transcript NM_002519.3 (MANE Select); coding-DNA position 3881, G replaced by A.
Protein change: p.Arg1294His; replaces arginine 1294 with histidine.
Molecular consequence: missense variant.
Genome position (GRCh38, 1-based): chr11:108,161,205, C>T on the plus strand (G>A on the coding strand, the complement: NPAT is on the minus strand). VCF-style: chr11-108161205-C-T. GRCh37 (hg19) VCF-style: chr11-108031932-C-T.
Other names: c.3902G>A, p.Arg1301His (NM_001321307.1); short protein forms R1301H, R1294H.
Identifiers: ClinVar variation 2076939 (VCV002076939.4), dbSNP rs113752046, ClinGen allele CA6263504.